The following is an entry in ClinVar:

NM_001386298.1(CIC):c.6635C>T (p.Pro2212Leu)

Gene: CIC (capicua transcriptional repressor; plus strand). Cytogenetic location: 19q13.2.
Variant type: single nucleotide variant.
Coding change: c.6635C>T on transcript NM_001386298.1 (MANE Select); coding-DNA position 6635, C replaced by T.
Protein change: p.Pro2212Leu; replaces proline 2212 with leucine.
Molecular consequence: missense variant.
Genome position (GRCh38, 1-based): chr19:42,293,704, C>T. VCF-style: chr19-42293704-C-T. GRCh37 (hg19) VCF-style: chr19-42797856-C-T.
Other names: c.6635C>T, p.Pro2212Leu (NM_001304815.2, NM_001379482.1, NM_001439183.1 and 2 more transcripts); c.6632C>T, p.Pro2211Leu (NM_001379480.1, NM_001439184.1, NM_001439185.1 and 1 more transcripts); c.3908C>T, p.Pro1303Leu (NM_001379484.1, NM_001379485.1, NM_001439190.1 and 1 more transcripts); c.3905C>T, p.Pro1302Leu (NM_001439189.1, NM_001439191.1); short protein forms P1302L, P1303L, P2211L, P2212L.
Identifiers: ClinVar variation 4686456 (VCV004686456.1).

ClinVar aggregate classification (germline): Uncertain significance (1 of 4 stars; one submission).

Submission:

GeneDx
Classification: Uncertain significance. Last evaluated: 2025-07-18. Review status: criteria provided, single submitter. Criteria: GeneDx Variant Classification Process June 2021. Collection method: clinical testing. Allele origin: germline. Affected: yes.
Comment: Not observed at significant frequency in large population cohorts (gnomAD); In silico analysis suggests that this missense variant does not alter protein structure/function; Has not been previously published as pathogenic or benign to our knowledge